The following is an entry in ClinVar:

ClinVar aggregate classification (germline): Pathogenic (1 of 4 stars; one submission).

Submission:

Labcorp Genetics (formerly Invitae), Labcorp
Classification: Pathogenic. Last evaluated: 2022-09-22. Review status: criteria provided, single submitter. Criteria: Invitae Variant Classification Sherloc (09022015). Collection method: clinical testing. Allele origin: germline.
Comment: This variant is not present in population databases (gnomAD no frequency). This variant has not been reported in the literature in individuals affected with SERPINF1-related conditions. For these reasons, this variant has been classified as Pathogenic. This sequence change creates a premature translational stop signal (p.Val282*) in the SERPINF1 gene. It is expected to result in an absent or disrupted protein product. Loss-of-function variants in SERPINF1 are known to be pathogenic (PMID: 21353196, 21826736).

Literature cited by the submitters: PubMed 21353196; PubMed 21826736.

NM_002615.7(SERPINF1):c.843del (p.Lys281_Val282insTer)

Gene: SERPINF1 (serpin family F member 1; plus strand). Cytogenetic location: 17p13.3.
Variant type: Deletion.
Coding change: c.843del on transcript NM_002615.7 (MANE Select); coding-DNA position 843, one base deleted (A; older notation c.843delA).
Protein change: p.Lys281_Val282insTer.
Molecular consequence: frameshift variant.
Genome position (GRCh38, 1-based): chr17:1,776,588, A deleted; the last of 3 consecutive A bases (chr17:1,776,586-1,776,588); deleting any one gives the same sequence. VCF-style (leftmost placement, unchanged base first): chr17-1776585-GA-G. GRCh37 (hg19) VCF-style: chr17-1679879-GA-G.
Other names: c.843del, p.Lys281_Val282insTer (NM_001329903.2); c.282del, p.Lys94_Val95insTer (NM_001329904.2, NM_001329905.2).
Identifiers: ClinVar variation 2025191 (VCV002025191.4), dbSNP rs2543492881, ClinGen allele CA2580092457.
Genomic context (GRCh38, chr17:1,776,585, plus strand): 5'-GTCTCAGATTGCCCAGCTGCCCTTGACCGGAAGCATGAGTATCATCTTCTTCCTGCCCCT[GA>G]AAGTGACCCAGAATTTGACCTTGATAGAGGAGAGCCTCACCTCCGAGTTCATTCATGACA-3'